The following is an entry in ClinVar:

ClinVar aggregate classification (germline): Pathogenic (1 of 4 stars; one submission).

Conditions:
Very long chain acyl-CoA dehydrogenase deficiency (ACADVLD). Also called: VLCAD Deficiency; Very Long-Chain Acyl-Coenzyme A Dehydrogenase Deficiency. Identifiers: Orphanet 26793, MedGen C3887523, MONDO:0008723, OMIM 201475.

Submission:

Labcorp Genetics (formerly Invitae), Labcorp
Classification: Pathogenic for Very long chain acyl-CoA dehydrogenase deficiency. Last evaluated: 2022-09-06. Review status: criteria provided, single submitter. Criteria: Invitae Variant Classification Sherloc (09022015). Collection method: clinical testing. Allele origin: germline.
Comment: For these reasons, this variant has been classified as Pathogenic. ClinVar contains an entry for this variant (Variation ID: 1452475). This variant has not been reported in the literature in individuals affected with ACADVL-related conditions. This variant is not present in population databases (gnomAD no frequency). This sequence change creates a premature translational stop signal (p.Thr464Glnfs*28) in the ACADVL gene. It is expected to result in an absent or disrupted protein product. Loss-of-function variants in ACADVL are known to be pathogenic (PMID: 9973285, 11590124).

Literature cited by the submitters: PubMed 9973285; PubMed 11590124.

NM_000018.4(ACADVL):c.1389del (p.Thr464fs)

Gene: ACADVL (acyl-CoA dehydrogenase very long chain; plus strand). Cytogenetic location: 17p13.1.
Variant type: Deletion.
Coding change: c.1389del on transcript NM_000018.4 (MANE Select); coding-DNA position 1389, one base deleted (G; older notation c.1389delG).
Protein change: p.Thr464fs; shifts the reading frame from threonine 464.
Molecular consequence: frameshift variant.
Genome position (GRCh38, 1-based): chr17:7,224,024, G deleted; the last of 4 consecutive G bases (chr17:7,224,021-7,224,024); deleting any one gives the same sequence. VCF-style (leftmost placement, unchanged base first): chr17-7224020-AG-A. GRCh37 (hg19) VCF-style: chr17-7127339-AG-A.
Other names: c.1323del, p.Thr442fs (NM_001033859.3); c.1458del, p.Thr487fs (NM_001270447.2); c.1161del, p.Thr388fs (NM_001270448.2); short protein forms T464fs, T442fs, T487fs, T388fs.
Identifiers: ClinVar variation 1452475 (VCV001452475.6), dbSNP rs398123082, ClinGen allele CA2573154514.